The following is an entry in ClinVar:

ClinVar aggregate classification (germline): Uncertain significance. Review status: criteria provided, multiple submitters, no conflicts (2 of 4 stars). 2 submissions from 2 submitters: Uncertain significance (2). Last evaluated 2025-11-24.

Allele frequency attached by ClinVar (database versions not stated): gnomAD exomes below 0.00001.
gnomAD v4.1: 1 of 1,612,962 alleles (0.000062%); highest among the groups gnomAD compares: Non-Finnish European, 0.000085%; no homozygotes.

Submissions (2):

Labcorp Genetics (formerly Invitae), Labcorp
Classification: Uncertain significance. Last evaluated: 2025-11-24. Review status: criteria provided, single submitter. Criteria: Invitae Variant Classification Sherloc (09022015). Collection method: clinical testing. Allele origin: germline.
Comment: This sequence change replaces alanine, which is neutral and non-polar, with threonine, which is neutral and polar, at codon 269 of the ANKZF1 protein (p.Ala269Thr). This variant is not present in population databases (gnomAD no frequency). This variant has not been reported in the literature in individuals affected with ANKZF1-related conditions. ClinVar contains an entry for this variant (Variation ID: 2013576). An algorithm developed to predict the effect of missense changes on protein structure and function (PolyPhen-2) suggests that this variant is likely to be disruptive. In summary, the available evidence is currently insufficient to determine the role of this variant in disease. Therefore, it has been classified as a Variant of Uncertain Significance.

Ambry Genetics
Classification: Uncertain significance. Last evaluated: 2022-06-09. Review status: criteria provided, single submitter. Criteria: Ambry Variant Classification Scheme 2023. Collection method: clinical testing. Allele origin: germline.

NM_018089.3(ANKZF1):c.805G>A (p.Ala269Thr)

Gene: ANKZF1 (ankyrin repeat and zinc finger peptidyl tRNA hydrolase 1; plus strand). Cytogenetic location: 2q35.
Variant type: single nucleotide variant.
Coding change: c.805G>A on transcript NM_018089.3 (MANE Select); coding-DNA position 805, G replaced by A.
Protein change: p.Ala269Thr; replaces alanine 269 with threonine.
Molecular consequence: missense variant.
Genome position (GRCh38, 1-based): chr2:219,233,419, G>A. VCF-style: chr2-219233419-G-A. GRCh37 (hg19) VCF-style: chr2-220098141-G-A.
Other names: c.805G>A, p.Ala269Thr (NM_001042410.2); c.175G>A, p.Ala59Thr (NM_001282792.2); short protein forms A269T, A59T.
Identifiers: ClinVar variation 2013576 (VCV002013576.5), dbSNP rs2544919051, ClinGen allele CA350675289.
Genomic context (GRCh38, chr2:219,233,419, plus strand): 5'-CGGGATGCCCGAGGTGGGCCATCACACTCTGCTGGAGCCAACCTGAGGCGCTACAATGAA[G>A]CCACACTATATAAGGTGAGTTAAGCCTTTTAGATCTGGTGGTACTGATCCATACTTTTTT-3'
Protein context (NP_060559.2, residues 259-279): AGANLRRYNE[Ala269Thr]TLYKDVRDLL